The following is an entry in ClinVar:

NM_170665.4(ATP2A2):c.1A>G (p.Met1Val)

Gene: ATP2A2 (ATPase sarcoplasmic/endoplasmic reticulum Ca2+ transporting 2; plus strand). Cytogenetic location: 12q24.11.
Variant type: single nucleotide variant.
Coding change: c.1A>G on transcript NM_170665.4 (MANE Select); coding-DNA position 1, A replaced by G.
Protein change: p.Met1Val; changes the start codon (methionine 1).
Molecular consequence: missense variant, initiator codon variant.
Genome position (GRCh38, 1-based): chr12:110,281,790, A>G. VCF-style: chr12-110281790-A-G. GRCh37 (hg19) VCF-style: chr12-110719595-A-G.
Other names: c.1A>G, p.Met1Val (NM_001681.4); short protein forms M1V.
Identifiers: ClinVar variation 1693414 (VCV001693414.6), dbSNP rs886041697, ClinGen allele CA386912198.

ClinVar aggregate classification (germline): Pathogenic. Review status: criteria provided, multiple submitters, no conflicts (2 of 4 stars). 2 submissions from 2 submitters: Pathogenic (2). Last evaluated 2023-06-20.

Submissions (2):

Labcorp Genetics (formerly Invitae), Labcorp
Classification: Pathogenic. Last evaluated: 2023-06-20. Review status: criteria provided, single submitter. Criteria: Invitae Variant Classification Sherloc (09022015). Collection method: clinical testing. Allele origin: germline.
Comment: This sequence change affects the initiator methionine of the ATP2A2 mRNA. The next in-frame methionine is located at codon 126. This variant is not present in population databases (gnomAD no frequency). Disruption of the initiator codon has been observed in individual(s) with Darier disease (PMID: 10441324, 28035777). In at least one individual the variant was observed to be de novo. ClinVar contains an entry for this variant (Variation ID: 1693414). For these reasons, this variant has been classified as Pathogenic.

GeneDx
Classification: Pathogenic. Last evaluated: 2021-12-27. Review status: criteria provided, single submitter. Criteria: GeneDx Variant Classification Process June 2021. Collection method: clinical testing. Allele origin: germline. Affected: yes.
Comment: Initiation codon variant in a gene for which loss-of-function is a known mechanism of disease; Not observed at significant frequency in large population cohorts (gnomAD); Identified in a family with Darier disease in published literature (Ruiz-Perez et al., 1999); This variant is associated with the following publications: (PMID: 28035777, 23356892, 10441324)

Literature cited by the submitters: PubMed 10441324 (cited by Labcorp Genetics (formerly Invitae), Labcorp); PubMed 28035777 (cited by Labcorp Genetics (formerly Invitae), Labcorp).